The following is an entry in ClinVar:

NM_001754.5(RUNX1):c.1243C>T (p.Gln415Ter)

Gene: RUNX1 (RUNX family transcription factor 1; minus strand). Cytogenetic location: 21q22.12.
Variant type: single nucleotide variant.
Coding change: c.1243C>T on transcript NM_001754.5 (MANE Select); coding-DNA position 1243, C replaced by T.
Protein change: p.Gln415Ter; replaces glutamine 415 with a stop codon.
Molecular consequence: nonsense.
Genome position (GRCh38, 1-based): chr21:34,792,335, G>A on the plus strand (C>T on the coding strand, the complement: RUNX1 is on the minus strand). VCF-style: chr21-34792335-G-A. GRCh37 (hg19) VCF-style: chr21-36164632-G-A.
Other names: NM_001754.5(RUNX1):c.1243C>T; p.Gln415Ter; c.1162C>T, p.Gln388Ter (NM_001001890.3); short protein forms Q415*, Q388*.
Identifiers: ClinVar variation 561225 (VCV000561225.6), dbSNP rs1397702481, ClinGen allele CA410147687.

ClinVar aggregate classification (germline): Uncertain significance. Review status: reviewed by expert panel (3 of 4 stars). 3 submissions from 3 submitters: Uncertain significance (1). 2 of the submissions do not count toward it. Last evaluated 2025-05-02.

Conditions:
Hereditary thrombocytopenia and hematologic cancer predisposition syndrome. Identifiers: Orphanet 71290, MedGen CN281654, MONDO:0011071.
Hereditary thrombocytopenia and hematological cancer predisposition syndrome associated with RUNX1. Also called: PLATELET DISORDER, ASPIRIN-LIKE; RUNX1 Familial Platelet Disorder with Associated Myeloid Malignancies; Familial Platelet Disorder with Propensity to Acute Myelogenous Leukemia; Familial thrombocytopenia with propensity to acute myelogenous leukemia. Identifiers: Orphanet 71290, MedGen C1832388, MeSH C563324, MONDO:0100083, OMIM 601399.

Allele frequency attached by ClinVar (database versions not stated): gnomAD exomes below 0.00001 and 0.00001.

Submissions (3):

ClinGen Myeloid Malignancy Variant Curation Expert Panel
Classification: Uncertain significance for Hereditary thrombocytopenia and hematologic cancer predisposition syndrome. Last evaluated: 2025-05-02. Review status: reviewed by expert panel. Criteria: ClinGen MyeloMalig ACMG Specifications v2. Collection method: curation. Allele origin: germline. Inheritance: Autosomal dominant inheritance.
Comment: NM_001754.5(RUNX1):c.1243C>T (p.Gln415Ter) is a nonsense variant which is not predicted to undergo nonsense-mediated decay, and the truncated/altered region is critical for protein function (nonsense c.917–c.1440 as per VCEP specifications) (PVS1_Strong). This variant is downstream of c.98 (PM5_Supporting). In summary, the clinical significance of this variant is uncertain. ACMG/AMP criteria applied, as specified by the Myeloid Malignancy Variant Curation Expert Panel for RUNX1: PVS1_Strong, PM5_Supporting.

St. Jude Molecular Pathology, St. Jude Children's Research Hospital
Classification: Uncertain significance for Hereditary thrombocytopenia and hematological cancer predisposition syndrome associated with RUNX1. Last evaluated: 2021-01-12. Review status: criteria provided, single submitter. Criteria: St. Jude Assertion Criteria 2020. Collection method: clinical testing. Allele origin: germline. Not counted in ClinVar's aggregate classification.

PreventionGenetics, part of Exact Sciences
Classification: Uncertain significance. Last evaluated: 2017-07-17. Review status: criteria provided, single submitter. Criteria: ACMG Guidelines, 2015. Collection method: clinical testing. Allele origin: germline. Not counted in ClinVar's aggregate classification.